The following is an entry in ClinVar:

ClinVar aggregate classification (germline): Uncertain significance (1 of 4 stars; one submission).

Submission:

Labcorp Genetics (formerly Invitae), Labcorp
Classification: Uncertain significance. Last evaluated: 2021-07-09. Review status: criteria provided, single submitter. Criteria: Invitae Variant Classification Sherloc (09022015). Collection method: clinical testing. Allele origin: germline.
Comment: This sequence change replaces valine with lysine at codon 381 of the FGFR3 protein (p.Val381Lys). The valine residue is weakly conserved and there is a moderate physicochemical difference between valine and lysine. The frequency data for this variant in the population databases is not available, as this variant may be reported as separate entries in the ExAC database. This variant has not been reported in the literature in individuals affected with FGFR3-related conditions. Algorithms developed to predict the effect of missense changes on protein structure and function are either unavailable or do not agree on the potential impact of this missense change (SIFT: "Not Available"; PolyPhen-2: "Benign"; Align-GVGD: "Not Available"). In summary, the available evidence is currently insufficient to determine the role of this variant in disease. Therefore, it has been classified as a Variant of Uncertain Significance.

NM_000142.5(FGFR3):c.1141_1142delinsAA (p.Val381Lys)

Gene: FGFR3 (fibroblast growth factor receptor 3; plus strand). Cytogenetic location: 4p16.3.
Variant type: Indel.
Coding change: c.1141_1142delinsAA on transcript NM_000142.5 (MANE Select); coding-DNA positions 1141 to 1142, GT replaced by AA.
Protein change: p.Val381Lys; replaces valine 381 with lysine.
Molecular consequence: missense variant. On other transcripts: non-coding transcript variant (1), intron variant (1).
Genome position (GRCh38, 1-based): chr4:1,804,395-1,804,396, GT replaced by AA. VCF-style: chr4-1804395-GT-AA. GRCh37 (hg19) VCF-style: chr4-1806122-GT-AA.
Other names: c.1147_1148delinsAA, p.Val383Lys (NM_001163213.2); c.1141_1142delinsAA, p.Val381Lys (NM_001354809.2, NM_001354810.2); c.931-429_931-428delinsAA (NM_022965.4); short protein forms V381K, V383K.
Identifiers: ClinVar variation 1680062 (VCV001680062.8), dbSNP rs2108797094, ClinGen allele CA2573137472.